The following is an entry in ClinVar:

ClinVar aggregate classification (germline): Uncertain significance. Review status: criteria provided, multiple submitters, no conflicts (2 of 4 stars). 2 submissions from 2 submitters: Uncertain significance (2). Last evaluated 2024-06-19.

Conditions:
Hereditary pancreatitis (PCTT). Also called: Hereditary chronic pancreatitis; PRSS1-Related Hereditary Pancreatitis. Identifiers: Orphanet 676, MedGen C0238339, MONDO:0008185, OMIM 167800.

Submissions (2):

Ambry Genetics
Classification: Uncertain significance for Hereditary pancreatitis. Last evaluated: 2024-06-19. Review status: criteria provided, single submitter. Criteria: Ambry Variant Classification Scheme 2023. Collection method: clinical testing. Allele origin: germline.
Comment: The p.G149D variant (also known as c.446G>A), located in coding exon 4 of the CPA1 gene, results from a G to A substitution at nucleotide position 446. The glycine at codon 149 is replaced by aspartic acid, an amino acid with similar properties. This amino acid position is conserved. In addition, this alteration is predicted to be deleterious by in silico analysis. Since supporting evidence is limited at this time, the clinical significance of this alteration remains unclear.

Labcorp Genetics (formerly Invitae), Labcorp
Classification: Uncertain significance. Last evaluated: 2022-06-13. Review status: criteria provided, single submitter. Criteria: Invitae Variant Classification Sherloc (09022015). Collection method: clinical testing. Allele origin: germline.
Comment: This sequence change replaces glycine, which is neutral and non-polar, with aspartic acid, which is acidic and polar, at codon 149 of the CPA1 protein (p.Gly149Asp). In summary, the available evidence is currently insufficient to determine the role of this variant in disease. Therefore, it has been classified as a Variant of Uncertain Significance. Algorithms developed to predict the effect of missense changes on protein structure and function (SIFT, PolyPhen-2, Align-GVGD) all suggest that this variant is likely to be disruptive. This variant has not been reported in the literature in individuals affected with CPA1-related conditions. This variant is present in population databases (rs782168130, gnomAD 0.009%).

NM_001868.4(CPA1):c.446G>A (p.Gly149Asp)

Gene: CPA1 (carboxypeptidase A1; plus strand). Cytogenetic location: 7q32.2.
Variant type: single nucleotide variant.
Coding change: c.446G>A on transcript NM_001868.4 (MANE Select); coding-DNA position 446, G replaced by A.
Protein change: p.Gly149Asp; replaces glycine 149 with aspartic acid.
Molecular consequence: missense variant.
Genome position (GRCh38, 1-based): chr7:130,382,172, G>A. VCF-style: chr7-130382172-G-A. GRCh37 (hg19) VCF-style: chr7-130022013-G-A.
Other names: short protein forms G149D.
Identifiers: ClinVar variation 1740821 (VCV001740821.8), dbSNP rs782168130, ClinGen allele CA4484799.